The following is an entry in ClinVar:

ClinVar aggregate classification (germline): Uncertain significance. Review status: criteria provided, multiple submitters, no conflicts (2 of 4 stars). 2 submissions from 2 submitters: Uncertain significance (2). Last evaluated 2024-11-20.

Conditions:
Inborn genetic diseases. Identifiers: MedGen C0950123, MeSH D030342.

Allele frequency attached by ClinVar (database versions not stated): gnomAD exomes 0.00001; gnomAD 0.00005; TOPMed 0.00007.
gnomAD v4.1: 21 of 1,531,144 alleles (0.0014%); highest among the groups gnomAD compares: African/African-American, 0.028%; no homozygotes.

Submissions (2):

Ambry Genetics
Classification: Uncertain significance for Inborn genetic diseases. Last evaluated: 2024-11-20. Review status: criteria provided, single submitter. Criteria: Ambry Variant Classification Scheme 2023. Collection method: clinical testing. Allele origin: germline.

GeneDx
Classification: Uncertain significance. Last evaluated: 2023-06-04. Review status: criteria provided, single submitter. Criteria: GeneDx Variant Classification Process June 2021. Collection method: clinical testing. Allele origin: germline. Affected: yes.
Comment: In silico analysis supports that this missense variant has a deleterious effect on protein structure/function; Has not been previously published as pathogenic or benign to our knowledge

NM_005883.3(APC2):c.1195G>T (p.Gly399Cys)

Gene: APC2 (APC regulator of WNT signaling pathway 2; plus strand). Cytogenetic location: 19p13.3.
Variant type: single nucleotide variant.
Coding change: c.1195G>T on transcript NM_005883.3 (MANE Select); coding-DNA position 1195, G replaced by T.
Protein change: p.Gly399Cys; replaces glycine 399 with cysteine.
Molecular consequence: missense variant.
Genome position (GRCh38, 1-based): chr19:1,457,231, G>T. VCF-style: chr19-1457231-G-T. GRCh37 (hg19) VCF-style: chr19-1457230-G-T.
Other names: c.1192G>T, p.Gly398Cys (NM_001351273.1); short protein forms G398C, G399C.
Identifiers: ClinVar variation 2208650 (VCV002208650.4), dbSNP rs949046151, ClinGen allele CA304065279.